The following is an entry in ClinVar:

ClinVar aggregate classification (germline): Likely benign (1 of 4 stars; one submission).

Allele frequency attached by ClinVar (database versions not stated): ExAC 0.00003; gnomAD exomes 0.00002.
gnomAD v4.1: 13 of 1,614,062 alleles (0.00081%); highest among the groups gnomAD compares: South Asian, 0.0044%; no homozygotes.

Submission:

GeneDx
Classification: Likely benign. Last evaluated: 2016-03-22. Review status: criteria provided, single submitter. Criteria: GeneDx Variant Classification (06012015). Collection method: clinical testing. Allele origin: germline. Affected: yes.
Comment: This variant is considered likely benign or benign based on one or more of the following criteria: it is a conservative change, it occurs at a poorly conserved position in the protein, it is predicted to be benign by multiple in silico algorithms, and/or has population frequency not consistent with disease.

NM_001303.4(COX10):c.15G>T (p.Pro5=)

Genes: COX10 (cytochrome c oxidase assembly factor heme A:farnesyltransferase COX10; plus strand), LOC130060303 (ATAC-STARR-seq lymphoblastoid active region 11742; plus strand). Cytogenetic location: 17p12.
Variant type: single nucleotide variant.
Coding change: c.15G>T on transcript NM_001303.4 (MANE Select); coding-DNA position 15, G replaced by T.
Protein change: p.Pro5=; no amino-acid change (proline 5 retained).
Molecular consequence: synonymous variant.
Genome position (GRCh38, 1-based): chr17:14,069,620, G>T. VCF-style: chr17-14069620-G-T. GRCh37 (hg19) VCF-style: chr17-13972937-G-T.
Identifiers: ClinVar variation 384201 (VCV000384201.1), dbSNP rs755668780, ClinGen allele CA8402202.
Genomic context (GRCh38, chr17:14,069,620, plus strand): 5'-AGAGAGGACACAGGGATCCCGGGGAGCGGCCCCAGACTCGTAAATTATGGCCGCATCTCC[G>T]CACACTCTCTCCTCACGCCTCCTGACAGGTACTGTACCCGCCTTGGGCACGACCTTGGGG-3'
Protein context (NP_001294.2, residues 1-15): MAAS[Pro5=]HTLSSRLLTG